The following is an entry in ClinVar:

NM_001130004.2(ACTN1):c.1401T>C (p.Tyr467=)

Gene: ACTN1 (actinin alpha 1; minus strand). Cytogenetic location: 14q24.1.
Variant type: single nucleotide variant.
Coding change: c.1401T>C on transcript NM_001130004.2 (MANE Select); coding-DNA position 1401, T replaced by C.
Protein change: p.Tyr467=; no amino-acid change (tyrosine 467 retained).
Molecular consequence: synonymous variant.
Genome position (GRCh38, 1-based): chr14:68,884,868, A>G on the plus strand (T>C on the coding strand, the complement: ACTN1 is on the minus strand). VCF-style: chr14-68884868-A-G. GRCh37 (hg19) VCF-style: chr14-69351585-A-G.
Other names: c.1401T>C, p.Tyr467= (NM_001102.4, NM_001130005.2, NM_001424012.1 and 7 more transcripts); c.1425T>C, p.Tyr475= (NM_001411035.1, NM_001424016.1); c.1206T>C, p.Tyr402= (NM_001411036.1, NM_001424026.1, NM_001424028.1); c.1527T>C, p.Tyr509= (NM_001424013.1); c.1488T>C, p.Tyr496= (NM_001424015.1); c.1398T>C, p.Tyr466= (NM_001424017.1); c.1362T>C, p.Tyr454= (NM_001424018.1); c.1338T>C, p.Tyr446= (NM_001424020.1, NM_001424022.1); and 2 more.
Identifiers: ClinVar variation 4980633 (VCV004980633.1).
Genomic context (GRCh38, chr14:68,884,868, plus strand): 5'-CCCCAGATTGTCCCACTGGTCACAGATCTTTTGGCAACGGGCGTTGACACTGGGTGAGTC[A>G]TAATAGTCCAGCTCACTGGGGAGGGAAGAGACAAGGAAGTCAGGGGACCCAGGTTAATTT-3'
Protein context (NP_001123476.1, residues 457-477): IAQELNELDY[Tyr467=]DSPSVNARCQ

ClinVar aggregate classification (germline): Likely benign (1 of 4 stars; one submission).

Conditions:
ACTN1-related disorder. Also called: ACTN1-related condition.

gnomAD v4.1: 20 of 1,613,870 alleles (0.0012%); highest among the groups gnomAD compares: East Asian, 0.04%; no homozygotes.

Submission:

PreventionGenetics, part of Exact Sciences
Classification: Likely benign for ACTN1-related condition. Last evaluated: 2025-02-20. Review status: criteria provided, single submitter. Criteria: ACMG Guidelines, 2015. Collection method: clinical testing. Allele origin: germline.
Comment: This variant is classified as likely benign based on ACMG/AMP sequence variant interpretation guidelines (Richards et al. 2015 PMID: 25741868, with internal and published modifications).